The following is an entry in ClinVar:

ClinVar aggregate classification (germline): Uncertain significance. Review status: criteria provided, multiple submitters, no conflicts (2 of 4 stars). 2 submissions from 2 submitters: Uncertain significance (2). Last evaluated 2024-05-31.

Conditions:
Febrile seizures, familial, 4 (FEB4). Also called: CONVULSIONS, FAMILIAL FEBRILE, 4. Identifiers: MedGen C1858493, MONDO:0011443, OMIM 604352.

gnomAD v4.1: 3 of 1,613,026 alleles (0.00019%); highest among the groups gnomAD compares: Non-Finnish European, 0.00025%; no homozygotes.

Submissions (2):

Women's Health and Genetics/Laboratory Corporation of America, LabCorp
Classification: Uncertain significance. Last evaluated: 2024-05-31. Review status: criteria provided, single submitter. Criteria: LabCorp Variant Classification Summary - May 2015. Collection method: clinical testing. Allele origin: germline.
Comment: Variant summary: ADGRV1 c.6556C>G (p.Pro2186Ala) results in a non-conservative amino acid change located in the Na-Ca exchanger/integrin-beta4 (IPR003644) of the encoded protein sequence. Four of five in-silico tools predict a damaging effect of the variant on protein function. The frequency data for this variant in gnomAD is considered unreliable, as metrics indicate poor data quality at this position. c.6556C>G has been reported in the literature in a study on Pediatric Epilepsy without clinical or functional data for this variant (Blazekovic_2022). These report(s) do not provide unequivocal conclusions about association of the variant with disease. To our knowledge, no experimental evidence demonstrating an impact on protein function has been reported. The following publication has been ascertained in the context of this evaluation (PMID: 36011376). ClinVar contains an entry for this variant (Variation ID: 1098710). Based on the evidence outlined above, the variant was classified as uncertain significance.

New York Genome Center
Classification: Uncertain significance for Febrile seizures, familial, 4. Last evaluated: 2020-06-03. Review status: criteria provided, single submitter. Criteria: NYGC Assertion Criteria 2020. Collection method: clinical testing. Allele origin: germline. Observed: 1 heterozygote. Study: CSER-NYCKidSeq.

Literature cited by the submitters: PubMed 36011376 (cited by Women's Health and Genetics/Laboratory Corporation of America, LabCorp).

NM_032119.4(ADGRV1):c.6556C>G (p.Pro2186Ala)

Gene: ADGRV1 (adhesion G protein-coupled receptor V1; plus strand). Cytogenetic location: 5q14.3.
Variant type: single nucleotide variant.
Coding change: c.6556C>G on transcript NM_032119.4 (MANE Select); coding-DNA position 6556, C replaced by G.
Protein change: p.Pro2186Ala; replaces proline 2186 with alanine.
Molecular consequence: missense variant. On other transcripts: non-coding transcript variant (1).
Genome position (GRCh38, 1-based): chr5:90,689,926, C>G. VCF-style: chr5-90689926-C-G. GRCh37 (hg19) VCF-style: chr5-89985743-C-G.
Other names: short protein forms P2186A.
Identifiers: ClinVar variation 1098710 (VCV001098710.2), dbSNP rs1357549892, ClinGen allele CA360366131.
Genomic context (GRCh38, chr5:90,689,926, plus strand): 5'-GATTATAGTATAGCTTCATCAGATGTGGTCTTGCTAGAAGGGGAAACCAGTAAAGCCGTG[C>G]CAATATATGTCATTAATGATATCTATCCTGAACTGGAAGAATCTTTTCTTGTGCAACTGA-3'
Protein context (NP_115495.3, residues 2176-2196): LLEGETSKAV[Pro2186Ala]IYVINDIYPE